The following is an entry in ClinVar:

NM_000053.4(ATP7B):c.2559T>C (p.Asp853=)

Gene: ATP7B (ATPase copper transporting beta; minus strand). Cytogenetic location: 13q14.3.
Variant type: single nucleotide variant.
Coding change: c.2559T>C on transcript NM_000053.4 (MANE Select); coding-DNA position 2559, T replaced by C.
Protein change: p.Asp853=; no amino-acid change (aspartic acid 853 retained).
Molecular consequence: synonymous variant.
Genome position (GRCh38, 1-based): chr13:51,950,288, A>G on the plus strand (T>C on the coding strand, the complement: ATP7B is on the minus strand). VCF-style: chr13-51950288-A-G. GRCh37 (hg19) VCF-style: chr13-52524424-A-G.
Other names: c.2073T>C, p.Asp691= (NM_001005918.3); c.2226T>C, p.Asp742= (NM_001243182.2); c.2325T>C, p.Asp775= (NM_001330578.2); c.2307T>C, p.Asp769= (NM_001330579.2).
Identifiers: ClinVar variation 1664478 (VCV001664478.9), dbSNP rs2139222717, ClinGen allele CA483895734.

ClinVar aggregate classification (germline): Likely benign. Review status: criteria provided, multiple submitters, no conflicts (2 of 4 stars). 2 submissions from 2 submitters: Likely benign (2). Last evaluated 2024-02-22.

Conditions:
Wilson disease (WND). Also called: Wilson's disease. Identifiers: Orphanet 905, MedGen C0019202, MONDO:0010200, OMIM 277900. Disease mechanism: loss of function.

Submissions (2):

All of Us Research Program, National Institutes of Health
Classification: Likely benign for Wilson disease. Last evaluated: 2024-02-22. Review status: criteria provided, single submitter. Criteria: ACMG Guidelines, 2015. Collection method: clinical testing. Allele origin: germline. Inheritance: Autosomal recessive inheritance. Observed: 1 variant allele, 1 heterozygote.
Comment: This study involves interpretation of variants in research participants for the purpose of population health screening. Participant phenotype was not available at the time of variant classification. Additional details can be found in publication PMID: 35346344, PMCID: PMC8962531

Labcorp Genetics (formerly Invitae), Labcorp
Classification: Likely benign for Wilson disease. Last evaluated: 2023-08-21. Review status: criteria provided, single submitter. Criteria: Invitae Variant Classification Sherloc (09022015). Collection method: clinical testing. Allele origin: germline.